The following is an entry in ClinVar:

NM_007194.4(CHEK2):c.644C>T (p.Ala215Val)

Gene: CHEK2 (checkpoint kinase 2; minus strand). Cytogenetic location: 22q12.1.
Variant type: single nucleotide variant.
Coding change: c.644C>T on transcript NM_007194.4 (MANE Select); coding-DNA position 644, C replaced by T.
Protein change: p.Ala215Val; replaces alanine 215 with valine.
Molecular consequence: missense variant. On other transcripts: 5 prime UTR variant (2), intron variant (1).
Genome position (GRCh38, 1-based): chr22:28,719,434, G>A on the plus strand (C>T on the coding strand, the complement: CHEK2 is on the minus strand). VCF-style: chr22-28719434-G-A. GRCh37 (hg19) VCF-style: chr22-29115422-G-A.
Other names: c.773C>T, p.Ala258Val (NM_001005735.3, NM_001438294.1); c.-20C>T (NM_001257387.3, NM_001437942.1); c.737C>T, p.Ala246Val (NM_001438293.1, NM_001438295.1); c.644C>T, p.Ala215Val (NM_145862.3); c.482+5452C>T (NM_001349956.3); short protein forms A215V, A258V, A246V.
Identifiers: ClinVar variation 1382276 (VCV001382276.9), dbSNP rs2146005998, ClinGen allele CA411104990.

ClinVar aggregate classification (germline): Uncertain significance (1 of 4 stars; one submission).

Conditions:
Familial cancer of breast. Also called: Hereditary breast cancer; BREAST CANCER, FAMILIAL; hereditary breast carcinoma. Identifiers: Orphanet 227535, MedGen C0346153, MONDO:0016419, OMIM 114480. Disease mechanism: loss of function.

Allele frequency attached by ClinVar (database versions not stated): gnomAD exomes below 0.00001.
gnomAD v4.1: 1 of 1,597,638 alleles (0.000063%); highest among the groups gnomAD compares: South Asian, 0.0011%; no homozygotes.

Submission:

Labcorp Genetics (formerly Invitae), Labcorp
Classification: Uncertain significance for Familial cancer of breast. Last evaluated: 2021-03-26. Review status: criteria provided, single submitter. Criteria: Invitae Variant Classification Sherloc (09022015). Collection method: clinical testing. Allele origin: germline.
Comment: Algorithms developed to predict the effect of missense changes on protein structure and function are either unavailable or do not agree on the potential impact of this missense change (SIFT: "Deleterious"; PolyPhen-2: "Benign"; Align-GVGD: "Class C0"). This variant has not been reported in the literature in individuals with CHEK2-related conditions. This variant is not present in population databases (ExAC no frequency). This sequence change replaces alanine with valine at codon 215 of the CHEK2 protein (p.Ala215Val). The alanine residue is weakly conserved and there is a small physicochemical difference between alanine and valine. Algorithms developed to predict the effect of sequence changes on RNA splicing suggest that this variant may create or strengthen a splice site, but this prediction has not been confirmed by published transcriptional studies. In summary, the available evidence is currently insufficient to determine the role of this variant in disease. Therefore, it has been classified as a Variant of Uncertain Significance.